The following is an entry in ClinVar:

NM_002354.3(EPCAM):c.788G>T (p.Gly263Val)

Gene: EPCAM (epithelial cell adhesion molecule; plus strand). Cytogenetic location: 2p21.
Variant type: single nucleotide variant.
Coding change: c.788G>T on transcript NM_002354.3 (MANE Select); coding-DNA position 788, G replaced by T.
Protein change: p.Gly263Val; replaces glycine 263 with valine.
Molecular consequence: missense variant.
Genome position (GRCh38, 1-based): chr2:47,379,899, G>T. VCF-style: chr2-47379899-G-T. GRCh37 (hg19) VCF-style: chr2-47607038-G-T.
Other names: short protein forms G263V.
Identifiers: ClinVar variation 1761046 (VCV001761046.2), dbSNP rs770114313, ClinGen allele CA1649155.
Genomic context (GRCh38, chr2:47,379,899, plus strand): 5'-ATCCTGGTCAAACTTTAATTTATTATGTTGATGAAAAAGCACCTGAATTCTCAATGCAGG[G>T]TCTAAAAGCTGGTGTTATTGCTGTTATTGTGGTTGTGGTGATAGCAGTTGTTGCTGGAAT-3'
Protein context (NP_002345.2, residues 253-273): DEKAPEFSMQ[Gly263Val]LKAGVIAVIV

ClinVar aggregate classification (germline): Uncertain significance (1 of 4 stars; one submission).

Conditions:
Hereditary cancer-predisposing syndrome. Also called: Neoplastic Syndromes, Hereditary; Tumor predisposition; Hereditary Cancer Syndrome; Hereditary neoplastic syndrome. Identifiers: Orphanet 140162, MedGen C0027672, MeSH D009386, MONDO:0015356.

Allele frequency attached by ClinVar (database versions not stated): ExAC 0.00001; gnomAD 0.00001; gnomAD exomes 0.00001; TOPMed 0.00002.
gnomAD v4.1: 7 of 1,614,028 alleles (0.00043%); highest among the groups gnomAD compares: South Asian, 0.0044%; no homozygotes.

Submission:

Ambry Genetics
Classification: Uncertain significance for Hereditary cancer-predisposing syndrome. Last evaluated: 2022-05-01. Review status: criteria provided, single submitter. Criteria: Ambry Variant Classification Scheme 2023. Collection method: clinical testing. Allele origin: germline.
Comment: The p.G263V variant (also known as c.788G>T), located in coding exon 7 of the EPCAM gene, results from a G to T substitution at nucleotide position 788. The glycine at codon 263 is replaced by valine, an amino acid with dissimilar properties. This amino acid position is conserved. In addition, the in silico prediction for this alteration is inconclusive. Since supporting evidence is limited at this time, the clinical significance of this alteration remains unclear.